The following is an entry in ClinVar:

ClinVar aggregate classification (germline): Conflicting classifications of pathogenicity. Review status: criteria provided, conflicting classifications (1 of 4 stars). 4 submissions from 4 submitters: Uncertain significance (1); Likely benign (3). Last evaluated 2025-12-17.

Conditions:
COL11A1-related disorder. Also called: COL11A1-related condition; COL11A1-related disorders.

Allele frequency attached by ClinVar (database versions not stated): ExAC 0.00003; gnomAD exomes 0.00007 and 0.00010; gnomAD 0.00017 and 0.00018; TOPMed 0.00017.
gnomAD v4.1: 127 of 1,612,240 alleles (0.0079%); highest among the groups gnomAD compares: Admixed American, 0.078%; no homozygotes.

Submissions (4):

PreventionGenetics, part of Exact Sciences
Classification: Likely benign for COL11A1-related condition. Last evaluated: 2025-12-17. Review status: criteria provided, single submitter. Criteria: ACMG Guidelines, 2015. Collection method: clinical testing. Allele origin: germline.
Comment: This variant is classified as likely benign based on ACMG/AMP sequence variant interpretation guidelines (Richards et al. 2015 PMID: 25741868, with internal and published modifications).

Labcorp Genetics (formerly Invitae), Labcorp
Classification: Likely benign. Last evaluated: 2025-11-10. Review status: criteria provided, single submitter. Criteria: Invitae Variant Classification Sherloc (09022015). Collection method: clinical testing. Allele origin: germline.

Blueprint Genetics
Classification: Likely benign. Last evaluated: 2023-06-26. Review status: criteria provided, single submitter. Criteria: ACMG Guidelines, 2015. Collection method: clinical testing. Allele origin: germline.

Laboratorio de Genetica e Diagnostico Molecular, Hospital Israelita Albert Einstein
Classification: Uncertain significance. Last evaluated: 2020-12-15. Review status: criteria provided, single submitter. Criteria: ACMG Guidelines, 2015. Collection method: clinical testing. Allele origin: germline. Affected: yes.
Comment: ACMG classification criteria: BP7

NM_001854.4(COL11A1):c.1296A>G (p.Ala432=)

Gene: COL11A1 (collagen type XI alpha 1 chain; minus strand). Cytogenetic location: 1p21.1.
Variant type: single nucleotide variant.
Coding change: c.1296A>G on transcript NM_001854.4 (MANE Select); coding-DNA position 1296, A replaced by G.
Protein change: p.Ala432=; no amino-acid change (alanine 432 retained).
Molecular consequence: synonymous variant. On other transcripts: non-coding transcript variant (1).
Genome position (GRCh38, 1-based): chr1:103,021,719, T>C on the plus strand (A>G on the coding strand, the complement: COL11A1 is on the minus strand). VCF-style: chr1-103021719-T-C. GRCh37 (hg19) VCF-style: chr1-103487275-T-C.
Other names: c.1296A>G (NM_001854.3); c.1179A>G, p.Ala393= (NM_001190709.2); c.1332A>G, p.Ala444= (NM_080629.3); c.948A>G, p.Ala316= (NM_080630.4).
Identifiers: ClinVar variation 1597466 (VCV001597466.12), dbSNP rs768321160, ClinGen allele CA975049.